The following is an entry in ClinVar:

NM_001360.3(DHCR7):c.322-1_334del

Gene: DHCR7 (7-dehydrocholesterol reductase; minus strand). Cytogenetic location: 11q13.4.
Variant type: Deletion.
Coding change: c.322-1_334del on transcript NM_001360.3 (MANE Select); the canonical splice acceptor site of the intron before coding-DNA position 322 through coding-DNA position 334, 14 bases deleted (GGTGCTTCTGTACA).
Molecular consequence: splice acceptor variant.
Genome position (GRCh38, 1-based): chr11:71,442,341-71,442,354, TGTACAGAAGCACC deleted on the plus strand (GGTGCTTCTGTACA on the coding strand, the reverse complement: DHCR7 is on the minus strand); deleting any 14 consecutive bases within chr11:71,442,341-71,442,356 gives the same sequence; the c. name uses the placement nearest the transcript's 3' end. VCF-style (leftmost placement, unchanged base first): chr11-71442340-GTGTACAGAAGCACC-G. GRCh37 (hg19) VCF-style: chr11-71153386-GTGTACAGAAGCACC-G.
Other names: c.322-1_334del (NM_001163817.2).
Identifiers: ClinVar variation 2712742 (VCV002712742.3), dbSNP rs2539232054, ClinGen allele CA2697548792.
Genomic context (GRCh38, chr11:71,442,340, plus strand): 5'-CCCTCCTGGATGCCTCCTACGTAGCCGGGTAGAAACTTATGGCAGAAGTCAGGGAGAGAC[GTGTACAGAAGCACC>G]TGAAACACACAAGCAGCCTGATCACCCCCCGCCTGGAGGGCACCTGCAAAGGGGGACGCA-3'

ClinVar aggregate classification (germline): Pathogenic (1 of 4 stars; one submission).

Conditions:
Smith-Lemli-Opitz syndrome (SLOS). Also called: LETHAL ACRODYSGENITAL SYNDROME; POLYDACTYLY, SEX REVERSAL, RENAL HYPOPLASIA, AND UNILOBAR LUNG; RSH SYNDROME; RUTLEDGE LETHAL MULTIPLE CONGENITAL ANOMALY SYNDROME; 7-Dehydrocholesterol reductase deficiency. Identifiers: Orphanet 818, MedGen C0175694, MONDO:0010035, OMIM 270400.

Submission:

Labcorp Genetics (formerly Invitae), Labcorp
Classification: Pathogenic for Smith-Lemli-Opitz syndrome. Last evaluated: 2023-06-12. Review status: criteria provided, single submitter. Criteria: Invitae Variant Classification Sherloc (09022015). Collection method: clinical testing. Allele origin: germline.
Comment: Algorithms developed to predict the effect of sequence changes on RNA splicing suggest that this variant may disrupt the consensus splice site. This variant disrupts a region of the DHCR7 protein in which other variant(s) (p.Leu109Pro) have been determined to be pathogenic (PMID: 10677299, 10995508, 11427181, 17441222). This suggests that this is a clinically significant region of the protein, and that variants that disrupt it are likely to be disease-causing. For these reasons, this variant has been classified as Pathogenic. This variant has not been reported in the literature in individuals affected with DHCR7-related conditions. This variant results in the deletion of part of exon 5 (c.322-1_334del) of the DHCR7 gene. It is expected to disrupt RNA splicing. Variants that disrupt the donor or acceptor splice site typically lead to a loss of protein function (PMID: 16199547), and loss-of-function variants in DHCR7 are known to be pathogenic (PMID: 9634533, 10677299). This variant is not present in population databases (gnomAD no frequency).

Literature cited by the submitters: PubMed 10677299; PubMed 10995508; PubMed 11427181; PubMed 17441222; PubMed 16199547; PubMed 9634533.